The following is an entry in ClinVar:

NM_001099274.3(TINF2):c.914G>A (p.Ser305Asn)

Gene: TINF2 (TERF1 interacting nuclear factor 2; minus strand). Cytogenetic location: 14q12.
Variant type: single nucleotide variant.
Coding change: c.914G>A on transcript NM_001099274.3 (MANE Select); coding-DNA position 914, G replaced by A.
Protein change: p.Ser305Asn; replaces serine 305 with asparagine.
Molecular consequence: missense variant.
Genome position (GRCh38, 1-based): chr14:24,240,566, C>T on the plus strand (G>A on the coding strand, the complement: TINF2 is on the minus strand). VCF-style: chr14-24240566-C-T. GRCh37 (hg19) VCF-style: chr14-24709772-C-T.
Other names: c.809G>A, p.Ser270Asn (NM_001363668.2); c.914G>A, p.Ser305Asn (NM_012461.3); short protein forms S305N, S270N.
Identifiers: ClinVar variation 2803084 (VCV002803084.3), dbSNP rs746657282, ClinGen allele CA389224829.

ClinVar aggregate classification (germline): Uncertain significance (1 of 4 stars; one submission).

Conditions:
Dyskeratosis congenita. Identifiers: Orphanet 1775, MedGen C0265965, MONDO:0015780.

Submission:

Labcorp Genetics (formerly Invitae), Labcorp
Classification: Uncertain significance for Dyskeratosis congenita. Last evaluated: 2023-07-10. Review status: criteria provided, single submitter. Criteria: Invitae Variant Classification Sherloc (09022015). Collection method: clinical testing. Allele origin: germline.
Comment: In summary, the available evidence is currently insufficient to determine the role of this variant in disease. Therefore, it has been classified as a Variant of Uncertain Significance. Algorithms developed to predict the effect of missense changes on protein structure and function output the following: SIFT: "Not Available"; PolyPhen-2: "Benign"; Align-GVGD: "Not Available". The asparagine amino acid residue is found in multiple mammalian species, which suggests that this missense change does not adversely affect protein function. This variant has not been reported in the literature in individuals affected with TINF2-related conditions. This variant is not present in population databases (gnomAD no frequency). This sequence change replaces serine, which is neutral and polar, with asparagine, which is neutral and polar, at codon 305 of the TINF2 protein (p.Ser305Asn).